The following is an entry in ClinVar:

ClinVar aggregate classification (germline): Likely pathogenic (1 of 4 stars; one submission).

Conditions:
Deeah syndrome. Also called: DEVELOPMENTAL DELAY WITH ENDOCRINE, EXOCRINE, AUTONOMIC, AND HEMATOLOGIC ABNORMALITIES. Identifiers: Orphanet 686495, MedGen C5436579, MONDO:0033561, OMIM 619004.

Submission:

HudsonAlpha Institute for Biotechnology
Classification: Likely pathogenic for Deeah syndrome. Last evaluated: 2021-07-22. Review status: criteria provided, single submitter. Criteria: ACMG Guidelines, 2015. Collection method: research. Allele origin: unknown. Affected: yes. Observed: 1 variant allele. Study: CSER-SouthSeq.
Comment: ACMG codes: PVS1; PM2

NM_001376571.1(MADD):c.3070C>T (p.Gln1024Ter)

Gene: MADD (MAP kinase activating death domain; plus strand). Cytogenetic location: 11p11.2.
Variant type: single nucleotide variant.
Coding change: c.3070C>T on transcript NM_001376571.1 (MANE Select); coding-DNA position 3070, C replaced by T.
Protein change: p.Gln1024Ter; replaces glutamine 1024 with a stop codon.
Molecular consequence: nonsense. On other transcripts: non-coding transcript variant (7), intron variant (1).
Genome position (GRCh38, 1-based): chr11:47,290,215, C>T. VCF-style: chr11-47290215-C-T. GRCh37 (hg19) VCF-style: chr11-47311766-C-T.
Other names: c.2881C>T, p.Gln961Ter (NM_001135943.2, NM_001135944.2, NM_001376585.1 and 20 more transcripts); c.3070C>T, p.Gln1024Ter (NM_001376572.1, NM_001376573.1, NM_001376574.1 and 11 more transcripts); c.3010C>T, p.Gln1004Ter (NM_001376575.1, NM_001376576.1, NM_001376577.1 and 12 more transcripts); c.2983C>T, p.Gln995Ter (NM_001376578.1, NM_001376631.1); c.2941C>T, p.Gln981Ter (NM_001376581.1, NM_001376582.1, NM_001376586.1 and 15 more transcripts); c.2908C>T, p.Gln970Ter (NM_001376583.1, NM_001376611.1, NM_001376613.1 and 1 more transcripts); c.3088C>T, p.Gln1030Ter (NM_001376596.1); c.2917C>T, p.Gln973Ter (NM_001376602.1); and 9 more; short protein forms Q1004*, Q1024*, Q1030*, Q782*, Q893*, Q913*, Q927*, Q936*.
Identifiers: ClinVar variation 1199417 (VCV001199417.2), dbSNP rs148016422, ClinGen allele CA380345956.